The following is an entry in ClinVar:

ClinVar aggregate classification (germline): Uncertain significance (1 of 4 stars; one submission).

Conditions:
Encephalopathy, acute, infection-induced (herpes-specific), susceptibility to, 1. Also called: Herpes simplex encephalitis, susceptibility to, 1. Identifiers: Orphanet 1930, MedGen C2750180, MONDO:0024563, OMIM 610551.

Allele frequency attached by ClinVar (database versions not stated): gnomAD exomes 0.00001; TOPMed below 0.00001; ExAC 0.00001; gnomAD 0.00001.
gnomAD v4.1: 2 of 1,609,068 alleles (0.00012%); highest among the groups gnomAD compares: Non-Finnish European, 0.00017%; no homozygotes.

Submission:

Labcorp Genetics (formerly Invitae), Labcorp
Classification: Uncertain significance for Encephalopathy, acute, infection-induced (herpes-specific), susceptibility to, 1. Last evaluated: 2021-06-15. Review status: criteria provided, single submitter. Criteria: Invitae Variant Classification Sherloc (09022015). Collection method: clinical testing. Allele origin: germline.
Comment: This sequence change replaces valine with methionine at codon 288 of the UNC93B1 protein (p.Val288Met). The valine residue is moderately conserved and there is a small physicochemical difference between valine and methionine. This variant is present in population databases (rs3179926, ExAC 0.002%). This variant has not been reported in the literature in individuals with UNC93B1-related conditions. Experimental studies and prediction algorithms are not available or were not evaluated, and the functional significance of this variant is currently unknown. In summary, the available evidence is currently insufficient to determine the role of this variant in disease. Therefore, it has been classified as a Variant of Uncertain Significance.

NM_030930.4(UNC93B1):c.862G>A (p.Val288Met)

Gene: UNC93B1 (unc-93B1 regulator of TLR signaling; minus strand). Cytogenetic location: 11q13.2.
Variant type: single nucleotide variant.
Coding change: c.862G>A on transcript NM_030930.4 (MANE Select); coding-DNA position 862, G replaced by A.
Protein change: p.Val288Met; replaces valine 288 with methionine.
Molecular consequence: missense variant.
Genome position (GRCh38, 1-based): chr11:67,997,719, C>T on the plus strand (G>A on the coding strand, the complement: UNC93B1 is on the minus strand). VCF-style: chr11-67997719-C-T. GRCh37 (hg19) VCF-style: chr11-67765189-C-T.
Other names: short protein forms V288M.
Identifiers: ClinVar variation 1450899 (VCV001450899.3), dbSNP rs3179926, ClinGen allele CA6145491.